The following is an entry in ClinVar:

ClinVar aggregate classification (germline): Uncertain significance. Review status: criteria provided, multiple submitters, no conflicts (2 of 4 stars). 2 submissions from 2 submitters: Uncertain significance (2). Last evaluated 2026-07-20.

Conditions:
Inborn genetic diseases. Identifiers: MedGen C0950123, MeSH D030342.
ABCB4-related disorder. Also called: ABCB4-related disorders; ABCB4-related condition.

Allele frequency attached by ClinVar (database versions not stated): gnomAD 0.00001; ExAC 0.00002; TOPMed 0.00002.
gnomAD v4.1: 11 of 1,614,088 alleles (0.00068%); highest among the groups gnomAD compares: South Asian, 0.0033%; no homozygotes.

Submissions (2):

PreventionGenetics, part of Exact Sciences
Classification: Uncertain significance for ABCB4-related condition. Last evaluated: 2026-07-20. Review status: criteria provided, single submitter. Criteria: ACMG Guidelines, 2015. Collection method: clinical testing. Allele origin: germline.
Comment: The ABCB4 c.32C>G variant is predicted to result in the amino acid substitution p.Ala11Gly. To our knowledge, this variant has not been reported in the literature. This variant is reported in 0.0065% of alleles in individuals of South Asian descent in gnomAD. At this time, the clinical significance of this variant is uncertain due to the absence of conclusive functional and genetic evidence.

Ambry Genetics
Classification: Uncertain significance for Inborn genetic diseases. Last evaluated: 2023-05-23. Review status: criteria provided, single submitter. Criteria: Ambry Variant Classification Scheme 2023. Collection method: clinical testing. Allele origin: germline.

NM_000443.4(ABCB4):c.32C>G (p.Ala11Gly)

Genes: ABCB4 (ATP binding cassette subfamily B member 4; minus strand), LOC129998756 (ATAC-STARR-seq lymphoblastoid silent region 18347; plus strand). Cytogenetic location: 7q21.12.
Variant type: single nucleotide variant.
Coding change: c.32C>G on transcript NM_000443.4 (MANE Select); coding-DNA position 32, C replaced by G.
Protein change: p.Ala11Gly; replaces alanine 11 with glycine.
Molecular consequence: missense variant.
Genome position (GRCh38, 1-based): chr7:87,475,434, G>C on the plus strand (C>G on the coding strand, the complement: ABCB4 is on the minus strand). VCF-style: chr7-87475434-G-C. GRCh37 (hg19) VCF-style: chr7-87104750-G-C.
Other names: c.32C>G, p.Ala11Gly (NM_018849.3, NM_018850.3); short protein forms A11G.
Identifiers: ClinVar variation 2549920 (VCV002549920.3), dbSNP rs756899335, ClinGen allele CA4327654.